The following is an entry in ClinVar:

NM_018297.4(NGLY1):c.463C>A (p.Gln155Lys)

Gene: NGLY1 (N-glycanase 1; minus strand). Cytogenetic location: 3p24.2.
Variant type: single nucleotide variant.
Coding change: c.463C>A on transcript NM_018297.4 (MANE Select); coding-DNA position 463, C replaced by A.
Protein change: p.Gln155Lys; replaces glutamine 155 with lysine.
Molecular consequence: missense variant.
Genome position (GRCh38, 1-based): chr3:25,764,095, G>T on the plus strand (C>A on the coding strand, the complement: NGLY1 is on the minus strand). VCF-style: chr3-25764095-G-T. GRCh37 (hg19) VCF-style: chr3-25805586-G-T.
Other names: c.463C>A, p.Gln155Lys (NM_001145293.2, NM_001145295.2); c.337C>A, p.Gln113Lys (NM_001145294.2); short protein forms Q155K, Q113K.
Identifiers: ClinVar variation 1510645 (VCV001510645.3), dbSNP rs1707440117, ClinGen allele CA351908570.

ClinVar aggregate classification (germline): Uncertain significance (1 of 4 stars; one submission).

Conditions:
Congenital disorder of deglycosylation (CDDG). Identifiers: MedGen C3808991, MONDO:0031376.

Submission:

Labcorp Genetics (formerly Invitae), Labcorp
Classification: Uncertain significance for Congenital disorder of deglycosylation. Last evaluated: 2022-08-09. Review status: criteria provided, single submitter. Criteria: Invitae Variant Classification Sherloc (09022015). Collection method: clinical testing. Allele origin: germline.
Comment: This sequence change replaces glutamine, which is neutral and polar, with lysine, which is basic and polar, at codon 155 of the NGLY1 protein (p.Gln155Lys). This variant is not present in population databases (gnomAD no frequency). This variant has not been reported in the literature in individuals affected with NGLY1-related conditions. ClinVar contains an entry for this variant (Variation ID: 1510645). Algorithms developed to predict the effect of missense changes on protein structure and function (SIFT, PolyPhen-2, Align-GVGD) all suggest that this variant is likely to be tolerated. In summary, the available evidence is currently insufficient to determine the role of this variant in disease. Therefore, it has been classified as a Variant of Uncertain Significance.